The following is an entry in ClinVar:

ClinVar aggregate classification (germline): Pathogenic (1 of 4 stars; one submission).

Conditions:
Silver-Russell syndrome 3 (SRS3). Also called: Growth restriction, severe, with distinctive facies. Identifiers: MedGen C4225307, MONDO:0014663, OMIM 616489.

Submission:

MGZ Medical Genetics Center
Classification: Pathogenic for Silver-Russell syndrome 3. Last evaluated: 2021-08-11. Review status: criteria provided, single submitter. Criteria: ACMG Guidelines, 2015. Collection method: clinical testing. Allele origin: germline. Affected: yes. Observed: 1 variant allele.
Comment: ACMG criteria applied: PVS1, PM2_SUP, PP4

NM_000612.6(IGF2):c.-6-2A>T

Genes: IGF2 (insulin like growth factor 2; minus strand), INS-IGF2 (INS-IGF2 readthrough; minus strand). Cytogenetic location: 11p15.5.
Variant type: single nucleotide variant.
Coding change: c.-6-2A>T on transcript NM_000612.6 (MANE Select); the canonical splice acceptor site of the intron before 6 bases upstream of the start codon, A replaced by T.
Molecular consequence: splice acceptor variant.
Genome position (GRCh38, 1-based): chr11:2,135,531, T>A on the plus strand (A>T on the coding strand, the complement: IGF2 is on the minus strand). VCF-style: chr11-2135531-T-A. GRCh37 (hg19) VCF-style: chr11-2156761-T-A.
Other names: c.-6-2A>T (NM_001007139.6, NM_001291862.3, NM_001291861.3); c.163-2A>T (NM_001127598.3).
Identifiers: ClinVar variation 1709875 (VCV001709875.2), dbSNP rs2495591068, ClinGen allele CA379114121.
Genomic context (GRCh38, chr11:2,135,531, plus strand): 5'-AAGGCCAAGAAGGTGAGAAGCACCAGCATCGACTTCCCCATTGGGATTCCCATTGGTGTC[T>A]GGGGGCGGGAGAGAAGTGGCGTGAGCGGGGCAGCCAGGCCAAGCCCCAGGCCAGAGGTGC-3'